The following is an entry in ClinVar:

ClinVar aggregate classification (germline): Likely benign (0 of 4 stars; one submission).

Conditions:
ATP2C2-related disorder. Also called: ATP2C2-related condition.

Allele frequency attached by ClinVar (database versions not stated): ExAC 0.00004; gnomAD 0.00006.
gnomAD v4.1: 53 of 1,582,772 alleles (0.0033%); highest among the groups gnomAD compares: Middle Eastern, 0.05%; 1 homozygote.

Submission:

PreventionGenetics, part of Exact Sciences
Classification: Likely benign for ATP2C2-related condition. Last evaluated: 2019-10-28. Review status: no assertion criteria provided. Collection method: clinical testing. Allele origin: germline.
Comment: This variant is classified as likely benign based on ACMG/AMP sequence variant interpretation guidelines (Richards et al. 2015 PMID: 25741868, with internal and published modifications).

NM_014861.4(ATP2C2):c.2333+112T>A

Genes: ATP2C2 (ATPase secretory pathway Ca2+ transporting 2; plus strand), ATP2C2-AS1 (ATP2C2 antisense RNA 1; minus strand). Cytogenetic location: 16q24.1.
Variant type: single nucleotide variant.
Coding change: c.2333+112T>A on transcript NM_014861.4 (MANE Select); 112 bases into the intron after coding-DNA position 2333, T replaced by A.
Molecular consequence: intron variant. On other transcripts: non-coding transcript variant (1).
Genome position (GRCh38, 1-based): chr16:84,459,498, T>A. VCF-style: chr16-84459498-T-A. GRCh37 (hg19) VCF-style: chr16-84493104-T-A.
Other names: c.2334-8T>A (NM_001286527.3); c.1880+112T>A (NM_001291454.2).
Identifiers: ClinVar variation 3046183 (VCV003046183.2), dbSNP rs746162693, ClinGen allele CA8208129.